The following is an entry in ClinVar:

ClinVar aggregate classification (germline): Pathogenic (1 of 4 stars; one submission).

Conditions:
Polycystic kidney disease, adult type (PKD1). Also called: Polycystic Kidney, Autosomal Dominant; POLYCYSTIC KIDNEY DISEASE 1 WITH OR WITHOUT POLYCYSTIC LIVER DISEASE; POLYCYSTIC KIDNEY DISEASE, ADULT, TYPE I; Polycystic Kidney Disease 1, Autosomal Dominant; Polycystic kidney disease 1; Polycystic kidney disease 1, severe. Identifiers: MedGen C3149841, MONDO:0008263, OMIM 173900.

Submission:

Juno Genomics, Hangzhou Juno Genomics, Inc
Classification: Pathogenic for Polycystic kidney disease, adult type. Review status: criteria provided, single submitter. Criteria: ACMG Guidelines, 2015. Collection method: clinical testing. Allele origin: germline. Affected: yes.
Comment: Absent from controls (or at extremely low frequency if recessive) in Genome Aggregation Database, Exome Sequencing Project, 1000 Genomes Project, or Exome Aggregation Consortium.;Null variant in a gene where loss of function (LOF) is a known mechanism of disease.;The prevalence of the variant in affected individuals is significantly increased compared to the prevalence in controls.;Patient's phenotype or family history is highly specific for a disease with a single genetic etiology.

NM_001009944.3(PKD1):c.11441_11459dup (p.Val3820_Gln3821insTer)

Genes: PKD1 (polycystin 1, transient receptor potential channel interacting; minus strand), PKD1-AS1 (PKD1 antisense RNA 1; plus strand). Cytogenetic location: 16p13.3.
Variant type: Duplication.
Coding change: c.11441_11459dup on transcript NM_001009944.3 (MANE Select); coding-DNA positions 11441 to 11459, 19 bases duplicated (ATGACAGCGGGGGCTACGT).
Protein change: p.Val3820_Gln3821insTer.
Molecular consequence: nonsense, inframe insertion.
Genome position (GRCh38, 1-based): chr16:2,091,859-2,091,877, ACGTAGCCCCCGCTGTCAT duplicated on the plus strand (ATGACAGCGGGGGCTACGT on the coding strand, the reverse complement: PKD1 is on the minus strand); duplicating any 19 consecutive bases within chr16:2,091,859-2,091,879 gives the same sequence; the c. name uses the placement nearest the transcript's 3' end. VCF-style (leftmost placement, unchanged base first): chr16-2091858-C-CACGTAGCCCCCGCTGTCAT. GRCh37 (hg19) VCF-style: chr16-2141859-C-CACGTAGCCCCCGCTGTCAT.
Other names: c.11438_11456dup, p.Val3819_Gln3820insTer (NM_000296.4).
Identifiers: ClinVar variation 3335867 (VCV003335867.2).